The following is an entry in ClinVar:

ClinVar aggregate classification (germline): Benign. Review status: criteria provided, multiple submitters, no conflicts (2 of 4 stars). 2 submissions from 2 submitters: Benign (2). Last evaluated 2026-02-01.

Allele frequency attached by ClinVar (database versions not stated): gnomAD exomes 0.00009 and 0.00018; ExAC 0.00016; 1000 Genomes Project 30x 0.00031; 1000 Genomes Project 0.00040; gnomAD 0.00071 and 0.00077; TOPMed 0.00084; ESP Exome Variant Server 0.00099.
gnomAD v4.1: 238 of 1,613,414 alleles (0.015%); highest among the groups gnomAD compares: African/African-American, 0.29%; no homozygotes.

Submissions (2):

Labcorp Genetics (formerly Invitae), Labcorp
Classification: Benign. Last evaluated: 2026-02-01. Review status: criteria provided, single submitter. Criteria: Invitae Variant Classification Sherloc (09022015). Collection method: clinical testing. Allele origin: germline.

Women's Health and Genetics/Laboratory Corporation of America, LabCorp
Classification: Benign. Last evaluated: 2019-08-19. Review status: criteria provided, single submitter. Criteria: LabCorp Variant Classification Summary - May 2015. Collection method: clinical testing. Allele origin: germline.
Comment: Variant summary: A2ML1 c.2764+12C>G alters a non-conserved nucleotide located close to a canonical splice site and therefore could affect mRNA splicing, leading to a significantly altered protein sequence. 5/5 computational tools predict no significant impact on normal splicing. However, these predictions have yet to be confirmed by functional studies. The variant allele was found at a frequency of 0.00018 in 249068 control chromosomes, predominantly at a frequency of 0.0026 within the African or African-American subpopulation in the gnomAD database. The observed variant frequency within African or African-American control individuals in the gnomAD database is approximately 650 fold of the estimated maximal expected allele frequency for a pathogenic variant in A2ML1 causing Noonan Syndrome phenotype (4e-06), strongly suggesting that the variant is a benign polymorphism found primarily in populations of African or African-American origin. To our knowledge, no occurrence of c.2764+12C>G in individuals affected with Noonan Syndrome and no experimental evidence demonstrating its impact on protein function have been reported. No clinical diagnostic laboratories have submitted clinical-significance assessments for this variant to ClinVar after 2014. Based on the evidence outlined above, the variant was classified as benign.

NM_144670.6(A2ML1):c.2764+12C>G

Gene: A2ML1 (alpha-2-macroglobulin like 1; plus strand). Cytogenetic location: 12p13.31.
Variant type: single nucleotide variant.
Coding change: c.2764+12C>G on transcript NM_144670.6 (MANE Select); 12 bases into the intron after coding-DNA position 2764, C replaced by G.
Molecular consequence: intron variant.
Genome position (GRCh38, 1-based): chr12:8,854,843, C>G. VCF-style: chr12-8854843-C-G. GRCh37 (hg19) VCF-style: chr12-9007439-C-G.
Other names: c.1291+12C>G (NM_001282424.3).
Identifiers: ClinVar variation 928815 (VCV000928815.9), dbSNP rs372457078, ClinGen allele CA6436125.
Genomic context (GRCh38, chr12:8,854,843, plus strand): 5'-GAGGGAGTCCTGGTGGAGAAGACACACAGCTCATTGCTGTGCCCAAAAGGTGGGTGGACT[C>G]AGAGCAGGATTGGTGGTGAGAATTCCCTTAGAGGGCAGGAGATTTTCTTTTCATTTTTTT-3'